The following is an entry in ClinVar:

ClinVar aggregate classification (germline): Uncertain significance. Review status: criteria provided, multiple submitters, no conflicts (2 of 4 stars). 2 submissions from 2 submitters: Uncertain significance (2). Last evaluated 2025-07-21.

Conditions:
Fanconi anemia (FA). Also called: Fanconi's anemia. Identifiers: Orphanet 84, MedGen C0015625, MeSH D005199, MONDO:0019391.
Fanconi anemia complementation group A (FANCA). Also called: FANCA-Related Fanconi Anemia; Fanconi anemia, group A. Identifiers: Orphanet 84, MedGen C3469521, MONDO:0009215, OMIM 227650.

gnomAD v4.1: 2 of 1,614,152 alleles (0.00012%); highest among the groups gnomAD compares: Non-Finnish European, 0.00017%; no homozygotes.

Submissions (2):

Labcorp Genetics (formerly Invitae), Labcorp
Classification: Uncertain significance for Fanconi anemia. Last evaluated: 2025-07-21. Review status: criteria provided, single submitter. Criteria: Invitae Variant Classification Sherloc (09022015). Collection method: clinical testing. Allele origin: germline.
Comment: This sequence change replaces glutamic acid, which is acidic and polar, with lysine, which is basic and polar, at codon 1239 of the FANCA protein (p.Glu1239Lys). This variant is not present in population databases (gnomAD no frequency). This variant has not been reported in the literature in individuals affected with FANCA-related conditions. ClinVar contains an entry for this variant (Variation ID: 1386333). Invitae Evidence Modeling of protein sequence and biophysical properties (such as structural, functional, and spatial information, amino acid conservation, physicochemical variation, residue mobility, and thermodynamic stability) indicates that this missense variant is not expected to disrupt FANCA protein function with a negative predictive value of 95%. In summary, the available evidence is currently insufficient to determine the role of this variant in disease. Therefore, it has been classified as a Variant of Uncertain Significance.

Juno Genomics, Hangzhou Juno Genomics, Inc
Classification: Uncertain significance for Fanconi anemia complementation group A. Review status: criteria provided, single submitter. Criteria: ACMG Guidelines, 2015. Collection method: clinical testing. Allele origin: germline.
Comment: Absent from controls (or at extremely low frequency if recessive) in Genome Aggregation Database.

NM_000135.4(FANCA):c.3715G>A (p.Glu1239Lys)

Gene: FANCA (FA complementation group A; minus strand). Cytogenetic location: 16q24.3.
Variant type: single nucleotide variant.
Coding change: c.3715G>A on transcript NM_000135.4 (MANE Select); coding-DNA position 3715, G replaced by A.
Protein change: p.Glu1239Lys; replaces glutamic acid 1239 with lysine.
Molecular consequence: missense variant.
Genome position (GRCh38, 1-based): chr16:89,742,850, C>T on the plus strand (G>A on the coding strand, the complement: FANCA is on the minus strand). VCF-style: chr16-89742850-C-T. GRCh37 (hg19) VCF-style: chr16-89809258-C-T.
Other names: c.3715G>A, p.Glu1239Lys (NM_001286167.3); short protein forms E1239K.
Identifiers: ClinVar variation 1386333 (VCV001386333.10), dbSNP rs2143061441, ClinGen allele CA397485380.